The following is an entry in ClinVar:

ClinVar aggregate classification (germline): Likely pathogenic (1 of 4 stars; one submission).

Conditions:
Congenital glucose-galactose malabsorption (GGM). Also called: MONOSACCHARIDE MALABSORPTION; DIARRHEA 16. Identifiers: Orphanet 35710, MedGen C0268186, MONDO:0011731, OMIM 606824.

Submission:

Labcorp Genetics (formerly Invitae), Labcorp
Classification: Likely pathogenic for Congenital glucose-galactose malabsorption. Last evaluated: 2021-04-21. Review status: criteria provided, single submitter. Criteria: Invitae Variant Classification Sherloc (09022015). Collection method: clinical testing. Allele origin: germline.
Comment: In summary, the currently available evidence indicates that the variant is pathogenic, but additional data are needed to prove that conclusively. Therefore, this variant has been classified as Likely Pathogenic. Algorithms developed to predict the effect of sequence changes on RNA splicing suggest that this variant may disrupt the consensus splice site, but this prediction has not been confirmed by published transcriptional studies. This sequence change affects a donor splice site in intron 9 of the SLC5A1 gene. It is expected to disrupt RNA splicing. Variants that disrupt the donor or acceptor splice site typically lead to a loss of protein function (PMID: 16199547), and loss-of-function variants in SLC5A1 are known to be pathogenic (PMID: 8563765). This variant is not present in population databases (ExAC no frequency). This variant has not been reported in the literature in individuals with SLC5A1-related conditions.

Literature cited by the submitters: PubMed 16199547; PubMed 8563765.

NM_000343.4(SLC5A1):c.1021+1G>A

Gene: SLC5A1 (solute carrier family 5 member 1; plus strand). Cytogenetic location: 22q12.3.
Variant type: single nucleotide variant.
Coding change: c.1021+1G>A on transcript NM_000343.4 (MANE Select); the canonical splice donor site of the intron after coding-DNA position 1021, G replaced by A.
Molecular consequence: splice donor variant.
Genome position (GRCh38, 1-based): chr22:32,085,036, G>A. VCF-style: chr22-32085036-G-A. GRCh37 (hg19) VCF-style: chr22-32481023-G-A.
Other names: c.640+1G>A (NM_001256314.2).
Identifiers: ClinVar variation 1522161 (VCV001522161.8), dbSNP rs2149492476, ClinGen allele CA411306404.